The following is an entry in ClinVar:

NM_001282225.2(ADA2):c.626C>T (p.Thr209Ile)

Gene: ADA2 (adenosine deaminase 2; minus strand). Cytogenetic location: 22q11.1.
Variant type: single nucleotide variant.
Coding change: c.626C>T on transcript NM_001282225.2 (MANE Select); coding-DNA position 626, C replaced by T.
Protein change: p.Thr209Ile; replaces threonine 209 with isoleucine.
Molecular consequence: missense variant.
Genome position (GRCh38, 1-based): chr22:17,203,690, G>A on the plus strand (C>T on the coding strand, the complement: ADA2 is on the minus strand). VCF-style: chr22-17203690-G-A. GRCh37 (hg19) VCF-style: chr22-17684580-G-A.
Other names: c.626C>T, p.Thr209Ile (NM_001282226.2); c.500C>T, p.Thr167Ile (NM_001282227.2, NM_001282228.2); c.266C>T, p.Thr89Ile (NM_001282229.2); short protein forms T209I, T167I, T89I.
Identifiers: ClinVar variation 1047739 (VCV001047739.10), dbSNP rs781131295, ClinGen allele CA10088172.

ClinVar aggregate classification (germline): Uncertain significance. Review status: criteria provided, multiple submitters, no conflicts (2 of 4 stars). 2 submissions from 2 submitters: Uncertain significance (2). Last evaluated 2022-08-22.

Conditions:
Deficiency of adenosine deaminase 2. Also called: Polyarteritis nodosa, childhoood-onset; Adenosine Deaminase 2 Deficiency; VASCULITIS, AUTOINFLAMMATION, IMMUNODEFICIENCY, AND HEMATOLOGIC DEFECTS SYNDROME. Identifiers: Orphanet 404553, MedGen C3887654, MONDO:0014306, OMIM 615688, MONDO:0100317.
Sneddon syndrome (SNDNS). Also called: LIVEDO RETICULARIS AND CEREBROVASCULAR ACCIDENTS; Idiopathic livedo reticularis with systemic involvement. Identifiers: Orphanet 820, MedGen C0282492, MONDO:0008436, OMIM 182410.

Allele frequency attached by ClinVar (database versions not stated): gnomAD exomes below 0.00001; ExAC 0.00001.
gnomAD v4.1: 2 of 1,614,086 alleles (0.00012%); highest among the groups gnomAD compares: South Asian, 0.0022%; no homozygotes.

Submissions (2):

Labcorp Genetics (formerly Invitae), Labcorp
Classification: Uncertain significance for Deficiency of adenosine deaminase 2. Last evaluated: 2022-08-22. Review status: criteria provided, single submitter. Criteria: Invitae Variant Classification Sherloc (09022015). Collection method: clinical testing. Allele origin: germline.
Comment: In summary, the available evidence is currently insufficient to determine the role of this variant in disease. Therefore, it has been classified as a Variant of Uncertain Significance. Algorithms developed to predict the effect of missense changes on protein structure and function (SIFT, PolyPhen-2, Align-GVGD) all suggest that this variant is likely to be tolerated. ClinVar contains an entry for this variant (Variation ID: 1047739). This variant has not been reported in the literature in individuals affected with ADA2-related conditions. This variant is present in population databases (rs781131295, gnomAD 0.003%). This sequence change replaces threonine, which is neutral and polar, with isoleucine, which is neutral and non-polar, at codon 209 of the ADA2 protein (p.Thr209Ile).

Fulgent Genetics
Classification: Uncertain significance for Sneddon syndrome; Deficiency of adenosine deaminase 2. Last evaluated: 2021-12-06. Review status: criteria provided, single submitter. Criteria: ACMG Guidelines, 2015. Collection method: clinical testing. Allele origin: unknown.